The following is an entry in ClinVar:

ClinVar aggregate classification (germline): Pathogenic (1 of 4 stars; one submission).

gnomAD v4.1: 1 of 1,613,714 alleles (0.000062%); highest among the groups gnomAD compares: African/African-American, 0.0013%; no homozygotes.

Submission:

Labcorp Genetics (formerly Invitae), Labcorp
Classification: Pathogenic. Last evaluated: 2022-10-18. Review status: criteria provided, single submitter. Criteria: Invitae Variant Classification Sherloc (09022015). Collection method: clinical testing. Allele origin: germline.
Comment: This sequence change creates a premature translational stop signal (p.Arg1906*) in the CACNA1B gene. It is expected to result in an absent or disrupted protein product. Loss-of-function variants in CACNA1B are known to be pathogenic (PMID: 30982612). This variant is present in population databases (no rsID available, gnomAD 0.007%). This variant has not been reported in the literature in individuals affected with CACNA1B-related conditions. For these reasons, this variant has been classified as Pathogenic.

Literature cited by the submitters: PubMed 30982612.

NM_000718.4(CACNA1B):c.5716C>T (p.Arg1906Ter)

Gene: CACNA1B (calcium voltage-gated channel subunit alpha1 B; plus strand). Cytogenetic location: 9q34.3.
Variant type: single nucleotide variant.
Coding change: c.5716C>T on transcript NM_000718.4 (MANE Select); coding-DNA position 5716, C replaced by T.
Protein change: p.Arg1906Ter; replaces arginine 1906 with a stop codon.
Molecular consequence: nonsense.
Genome position (GRCh38, 1-based): chr9:138,115,618, C>T. VCF-style: chr9-138115618-C-T. GRCh37 (hg19) VCF-style: chr9-141010070-C-T.
Other names: c.5716C>T, p.Arg1906Ter (NM_001243812.2); short protein forms R1906*.
Identifiers: ClinVar variation 2007892 (VCV002007892.4), dbSNP rs1215674609, ClinGen allele CA375817550.
Genomic context (GRCh38, chr9:138,115,618, plus strand): 5'-CCTGTGTCCCTGTTCCACCCTCTGAAGGCCACCCTGGAGCAGACACAGCCGGCTGTGCTC[C>T]GAGGAGCCCGGGTTTTCCTTCGACAGAAGAGTTCCACCTCCCTCAGCAATGGCGGGGCCA-3'